The following is an entry in ClinVar:

ClinVar aggregate classification (germline): Uncertain significance (1 of 4 stars; one submission).

Conditions:
Inborn genetic diseases. Identifiers: MedGen C0950123, MeSH D030342.

Submission:

Ambry Genetics
Classification: Uncertain significance for Inborn genetic diseases. Last evaluated: 2026-04-09. Review status: criteria provided, single submitter. Criteria: Ambry Variant Classification Scheme 2023. Collection method: clinical testing. Allele origin: germline.
Comment: The p.P1167S variant (also known as c.3499C>T), located in coding exon 13 of the ASXL1 gene, results from a C to T substitution at nucleotide position 3499. The proline at codon 1167 is replaced by serine, an amino acid with similar properties. This amino acid position is conserved. In addition, this alteration is predicted to be tolerated by in silico analysis. Based on the available evidence, the clinical significance of this variant remains unclear.

NM_015338.6(ASXL1):c.3499C>T (p.Pro1167Ser)

Gene: ASXL1 (ASXL transcriptional regulator 1; plus strand). Cytogenetic location: 20q11.21.
Variant type: single nucleotide variant.
Coding change: c.3499C>T on transcript NM_015338.6 (MANE Select); coding-DNA position 3499, C replaced by T.
Protein change: p.Pro1167Ser; replaces proline 1167 with serine.
Molecular consequence: missense variant.
Genome position (GRCh38, 1-based): chr20:32,436,211, C>T. VCF-style: chr20-32436211-C-T. GRCh37 (hg19) VCF-style: chr20-31024014-C-T.
Other names: c.3316C>T, p.Pro1106Ser (NM_001363734.1); short protein forms P1106S, P1167S.
Identifiers: ClinVar variation 4864205 (VCV004864205.1).
Genomic context (GRCh38, chr20:32,436,211, plus strand): 5'-CTACGCATGGGATCTTTACATGGTCTTGGAAAAAACAGTGGCATGGTTGATGGAAGCAGC[C>T]CCAGTTCTTTAAGGGCTTTGAAGGAGCCTCTTCTGCCAGATAGCTGTGAAACAGGCACTG-3'
Protein context (NP_056153.2, residues 1157-1177): KNSGMVDGSS[Pro1167Ser]SSLRALKEPL